The following is an entry in ClinVar:

ClinVar aggregate classification (germline): Conflicting classifications of pathogenicity. Review status: criteria provided, conflicting classifications (1 of 4 stars). 4 submissions from 4 submitters: Pathogenic (1); Likely pathogenic (1); Uncertain significance (1). 1 of the submissions does not count toward it. Last evaluated 2026-07-01.

Conditions:
Glycogen storage disease, type II (IOPD). Also called: POMPE DISEASE, INFANTILE-ONSET; GLYCOGEN STORAGE DISEASE II, INFANTILE-ONSET; ACID ALPHA-GLUCOSIDASE DEFICIENCY, INFANTILE-ONSET; GAA DEFICIENCY, INFANTILE-ONSET; ACID MALTASE DEFICIENCY, INFANTILE-ONSET; CARDIOMEGALIA GLYCOGENICA DIFFUSA. Identifiers: Orphanet 365, MedGen C0017921, MONDO:0009290, OMIM 232300.

Submissions (4):

Genomenon, Inc
Classification: Uncertain significance for Glycogen storage disease, type II. Last evaluated: 2026-07-01. Review status: criteria provided, single submitter. Criteria: Genomenon Sequence Variant Interpretation Standards - Updated. Collection method: curation. Allele origin: germline. Affected: yes.
Comment: GAA p.Met427Thr (c.1280T>C) is a missense variant that changes the amino acid at codon 427 from Methionine to Threonine. This variant has been observed in at least one proband with a GAA-related disorder in the compound heterozygous and/or homozygous state (PMID:39010129;38162137;31076647). It is absent or not present at a significant frequency in gnomAD. In conclusion, we classify GAA p.Met427Thr (c.1280T>C) as a variant of uncertain significance.

Labcorp Genetics (formerly Invitae), Labcorp
Classification: Pathogenic for Glycogen storage disease, type II. Last evaluated: 2025-08-15. Review status: criteria provided, single submitter. Criteria: Invitae Variant Classification Sherloc (09022015). Collection method: clinical testing. Allele origin: germline.
Comment: This sequence change replaces methionine, which is neutral and non-polar, with threonine, which is neutral and polar, at codon 427 of the GAA protein (p.Met427Thr). This variant is not present in population databases (gnomAD no frequency). This missense change has been observed in individual(s) with Pompe disease (PMID: 26310554, 38162137, 39010129). In at least one individual the data is consistent with being in trans (on the opposite chromosome) from a pathogenic variant. ClinVar contains an entry for this variant (Variation ID: 550859). An algorithm developed to predict the effect of missense changes on protein structure and function outputs the following: PolyPhen-2: "Benign". The threonine amino acid residue is found in multiple mammalian species, which suggests that this missense change does not adversely affect protein function. For these reasons, this variant has been classified as Pathogenic.

Women's Health and Genetics/Laboratory Corporation of America, LabCorp
Classification: Likely pathogenic for Glycogen storage disease, type II. Last evaluated: 2024-11-01. Review status: criteria provided, single submitter. Criteria: LabCorp Variant Classification Summary - May 2015. Collection method: clinical testing. Allele origin: germline.
Comment: Variant summary: GAA c.1280T>C (p.Met427Thr) results in a non-conservative amino acid change located in the Glycoside hydrolase family 31, TIM barrel domain (IPR000322) of the encoded protein sequence. Four of five in-silico tools predict a damaging effect of the variant on protein function. The variant was absent in 236646 control chromosomes. c.1280T>C has been reported in the presumed compound heterozygous state in the literature in multiple individuals affected with Glycogen Storage Disease, Type 2 (Pompe Disease) (example, Ding_2015, Li_2023, Zhao_2024). These data indicate that the variant may be associated with disease. To our knowledge, no experimental evidence demonstrating an impact on protein function has been reported, however all individuals cited had residual/low GAA enzyme activity <30% of control values, which could not be entirely explained by the opposite allele (example, Ding_2015, Li_2023, Zhao_2024). The following publications have been ascertained in the context of this evaluation (PMID: 26310554, 38162137, 39010129). ClinVar contains an entry for this variant (Variation ID: 550859). Based on the evidence outlined above, the variant was classified as likely pathogenic.

Counsyl
Classification: Uncertain significance for Glycogen storage disease, type II. Last evaluated: 2017-03-13. Review status: flagged submission. Collection method: clinical testing. Allele origin: unknown. Not counted in ClinVar's aggregate classification.
ClinVar note: Reason: Older claim that does not account for recent evidence

Literature cited by the submitters: PubMed 39010129 (cited by 3 submitters); PubMed 38162137 (cited by 3 submitters); PubMed 31076647 (cited by Genomenon, Inc); PubMed 26310554 (cited by 3 submitters).

NM_000152.5(GAA):c.1280T>C (p.Met427Thr)

Gene: GAA (alpha glucosidase; plus strand). Cytogenetic location: 17q25.3.
Variant type: single nucleotide variant.
Coding change: c.1280T>C on transcript NM_000152.5 (MANE Select); coding-DNA position 1280, T replaced by C.
Protein change: p.Met427Thr; replaces methionine 427 with threonine.
Molecular consequence: missense variant.
Genome position (GRCh38, 1-based): chr17:80,108,782, T>C. VCF-style: chr17-80108782-T-C. GRCh37 (hg19) VCF-style: chr17-78082581-T-C.
Other names: c.1280T>C, p.Met427Thr (NM_001079803.3, NM_001079804.3); c.1280T>C (LRG_673t1); short protein forms M427T.
Identifiers: ClinVar variation 550859 (VCV000550859.5), dbSNP rs1555600212, ClinGen allele CA401365341.